The following is an entry in ClinVar:

NM_177972.3(TUB):c.597TGAGGAGGA[1] (p.199DEE[1])

Genes: RIC3 (RIC3 acetylcholine receptor chaperone; minus strand), TUB (TUB bipartite transcription factor; plus strand). Cytogenetic location: 11p15.4.
Variant type: Microsatellite.
Coding change: c.597TGAGGAGGA[1] on transcript NM_177972.3 (MANE Select); one copy of the 9-base unit TGAGGAGGA starting at c.597; the reference has two copies in a row; one copy, 9 bases deleted.
Protein change: p.199DEE[1].
Molecular consequence: inframe deletion.
Genome position (GRCh38, 1-based): chr11:8,096,725-8,096,733, TGAGGAGGA deleted; deleting any 9 consecutive bases within chr11:8,096,711-8,096,733 gives the same sequence; the position shown is the placement nearest the transcript's 3' end. VCF-style (leftmost placement, unchanged base first): chr11-8096710-CGAGGATGAG-C. GRCh37 (hg19) VCF-style: chr11-8118257-CGAGGATGAG-C.
Other names: c.771_779del9 (NM_003320.4); c.771_779del (NM_003320.4); c.762TGAGGAGGA[1], p.254DEE[1] (NM_003320.5).
Identifiers: ClinVar variation 1024754 (VCV001024754.8), dbSNP rs762696992, ClinGen allele CA5871157.

ClinVar aggregate classification (germline): Conflicting classifications of pathogenicity. Review status: criteria provided, conflicting classifications (1 of 4 stars). 4 submissions from 4 submitters: Uncertain significance (3); Likely benign (1). Last evaluated 2025-09-15.

Conditions:
TUB-related disorder. Also called: TUB-related condition.

Submissions (4):

PreventionGenetics, part of Exact Sciences
Classification: Likely benign for TUB-related condition. Last evaluated: 2025-09-15. Review status: criteria provided, single submitter. Criteria: ACMG Guidelines, 2015. Collection method: clinical testing. Allele origin: germline.
Comment: This variant is classified as likely benign based on ACMG/AMP sequence variant interpretation guidelines (Richards et al. 2015 PMID: 25741868, with internal and published modifications).

GeneDx
Classification: Uncertain significance. Last evaluated: 2024-08-19. Review status: criteria provided, single submitter. Criteria: GeneDx Variant Classification Process June 2021. Collection method: clinical testing. Allele origin: germline. Affected: yes.
Comment: In-frame deletion of 3 amino acids in a non-repeat region; In silico analysis supports a deleterious effect on protein structure/function; Has not been previously published as pathogenic or benign to our knowledge

Blueprint Genetics
Classification: Uncertain significance. Last evaluated: 2024-07-29. Review status: criteria provided, single submitter. Criteria: ACMG Guidelines, 2015. Collection method: clinical testing. Allele origin: germline.

Labcorp Genetics (formerly Invitae), Labcorp
Classification: Uncertain significance. Last evaluated: 2022-09-13. Review status: criteria provided, single submitter. Criteria: Invitae Variant Classification Sherloc (09022015). Collection method: clinical testing. Allele origin: germline.
Comment: This variant, c.771_779del, results in the deletion of 3 amino acid(s) of the TUB protein (p.Asp257_Glu259del), but otherwise preserves the integrity of the reading frame. This variant is present in population databases (rs763844229, gnomAD 0.09%). This variant has not been reported in the literature in individuals affected with TUB-related conditions. Experimental studies and prediction algorithms are not available or were not evaluated, and the functional significance of this variant is currently unknown. In summary, the available evidence is currently insufficient to determine the role of this variant in disease. Therefore, it has been classified as a Variant of Uncertain Significance.